The following is an entry in ClinVar:

ClinVar aggregate classification (germline): Pathogenic (1 of 4 stars; one submission).

Conditions:
Glycine encephalopathy. Also called: Nonketotic hyperglycinemia; Non-ketotic hyperglycinemia. Identifiers: Orphanet 407, MedGen C0751748, MONDO:0011612, HP:0008288.

Submission:

Labcorp Genetics (formerly Invitae), Labcorp
Classification: Pathogenic for Glycine encephalopathy. Last evaluated: 2023-03-04. Review status: criteria provided, single submitter. Criteria: Invitae Variant Classification Sherloc (09022015). Collection method: clinical testing. Allele origin: germline.
Comment: This sequence change affects a donor splice site in intron 12 of the GLDC gene. It is expected to disrupt RNA splicing. Variants that disrupt the donor or acceptor splice site typically lead to a loss of protein function (PMID: 16199547), and loss-of-function variants in GLDC are known to be pathogenic (PMID: 16601880). This variant is not present in population databases (gnomAD no frequency). Disruption of this splice site has been observed in individual(s) with glycine encephalopathy (PMID: 26179960). In at least one individual the data is consistent with being in trans (on the opposite chromosome) from a pathogenic variant. Algorithms developed to predict the effect of sequence changes on RNA splicing suggest that this variant may disrupt the consensus splice site. For these reasons, this variant has been classified as Pathogenic.

Literature cited by the submitters: PubMed 16199547; PubMed 16601880; PubMed 26179960.

NM_000170.3(GLDC):c.1580+1G>C

Gene: GLDC (glycine decarboxylase; minus strand). Cytogenetic location: 9p24.1.
Variant type: single nucleotide variant.
Coding change: c.1580+1G>C on transcript NM_000170.3 (MANE Select); the canonical splice donor site of the intron after coding-DNA position 1580, G replaced by C.
Molecular consequence: splice donor variant.
Genome position (GRCh38, 1-based): chr9:6,589,194, C>G on the plus strand (G>C on the coding strand, the complement: GLDC is on the minus strand). VCF-style: chr9-6589194-C-G. GRCh37 (hg19) VCF-style: chr9-6589194-C-G.
Identifiers: ClinVar variation 2876097 (VCV002876097.3), dbSNP rs2489080171, ClinGen allele CA372893200.
Genomic context (GRCh38, chr9:6,589,194, plus strand): 5'-GCCTAACTCCCTAGCTGATTACCAAAGCACAAAACGCAGAAGTCACACAAGACACACAAA[C>G]CTGTTGAACACTTGATGGGTGAGGAACGGGCTGGTCCTCTTGAACACAGACCCTGGAATA-3'